The following is an entry in ClinVar:

NM_006206.6(PDGFRA):c.2294C>A (p.Pro765Gln)

Gene: PDGFRA (platelet derived growth factor receptor alpha; plus strand). Cytogenetic location: 4q12.
Variant type: single nucleotide variant.
Coding change: c.2294C>A on transcript NM_006206.6 (MANE Select); coding-DNA position 2294, C replaced by A.
Protein change: p.Pro765Gln; replaces proline 765 with glutamine.
Molecular consequence: missense variant.
Genome position (GRCh38, 1-based): chr4:54,280,453, C>A. VCF-style: chr4-54280453-C-A. GRCh37 (hg19) VCF-style: chr4-55146620-C-A.
Other names: c.2294C>A, p.Pro765Gln (NM_001347827.2, NM_001347829.2); c.2369C>A, p.Pro790Gln (NM_001347828.2); c.2333C>A, p.Pro778Gln (NM_001347830.2); short protein forms P778Q, P765Q, P790Q.
Identifiers: ClinVar variation 3730213 (VCV003730213.2).
Genomic context (GRCh38, chr4:54,280,453, plus strand): 5'-TGCTAGAAAGGAAAGAGGTTTCTAAATATTCCGACATCCAGAGATCACTCTATGATCGTC[C>A]AGCCTCATATAAGAAGAAATCTATGTTAGGTAAAAGTGTCTATACTCACTCTGGGTGTTG-3'
Protein context (NP_006197.1, residues 755-775): SDIQRSLYDR[Pro765Gln]ASYKKKSMLD

ClinVar aggregate classification (germline): Uncertain significance (1 of 4 stars; one submission).

Conditions:
Gastrointestinal stromal tumor. Also called: Gastrointestinal stromal tumor, somatic; Gastrointestinal stroma tumor. Identifiers: Orphanet 44890, MedGen C0238198, MeSH D046152, MONDO:0011719, OMIM 606764, HP:0100723.

Submission:

Labcorp Genetics (formerly Invitae), Labcorp
Classification: Uncertain significance for Gastrointestinal stromal tumor. Last evaluated: 2024-12-04. Review status: criteria provided, single submitter. Criteria: Invitae Variant Classification Sherloc (09022015). Collection method: clinical testing. Allele origin: germline.
Comment: This sequence change replaces proline, which is neutral and non-polar, with glutamine, which is neutral and polar, at codon 765 of the PDGFRA protein (p.Pro765Gln). This variant is not present in population databases (gnomAD no frequency). This variant has not been reported in the literature in individuals affected with PDGFRA-related conditions. Invitae Evidence Modeling of protein sequence and biophysical properties (such as structural, functional, and spatial information, amino acid conservation, physicochemical variation, residue mobility, and thermodynamic stability) indicates that this missense variant is not expected to disrupt PDGFRA protein function with a negative predictive value of 80%. In summary, the available evidence is currently insufficient to determine the role of this variant in disease. Therefore, it has been classified as a Variant of Uncertain Significance.